The following is an entry in ClinVar:

ClinVar aggregate classification (germline): Likely benign (0 of 4 stars; one submission).

Conditions:
PKD1-related disorder. Also called: PKD1-related condition.

Submission:

PreventionGenetics, part of Exact Sciences
Classification: Likely benign for PKD1-related condition. Last evaluated: 2019-07-22. Review status: no assertion criteria provided. Collection method: clinical testing. Allele origin: germline.
Comment: This variant is classified as likely benign based on ACMG/AMP sequence variant interpretation guidelines (Richards et al. 2015 PMID: 25741868, with internal and published modifications).

NM_001009944.3(PKD1):c.96C>T (p.Pro32=)

Gene: PKD1 (polycystin 1, transient receptor potential channel interacting; minus strand). Cytogenetic location: 16p13.3.
Variant type: single nucleotide variant.
Coding change: c.96C>T on transcript NM_001009944.3 (MANE Select); coding-DNA position 96, C replaced by T.
Protein change: p.Pro32=; no amino-acid change (proline 32 retained).
Molecular consequence: synonymous variant.
Genome position (GRCh38, 1-based): chr16:2,135,594, G>A on the plus strand (C>T on the coding strand, the complement: PKD1 is on the minus strand). VCF-style: chr16-2135594-G-A. GRCh37 (hg19) VCF-style: chr16-2185595-G-A.
Other names: c.96C>T, p.Pro32= (NM_000296.4).
Identifiers: ClinVar variation 3040811 (VCV003040811.2), dbSNP rs918688, ClinGen allele CA276756580.